The following is an entry in ClinVar:

NM_000094.4(COL7A1):c.5856+6T>A

Gene: COL7A1 (collagen type VII alpha 1 chain; minus strand). Cytogenetic location: 3p21.31.
Variant type: single nucleotide variant.
Coding change: c.5856+6T>A on transcript NM_000094.4 (MANE Select); 6 bases into the intron after coding-DNA position 5856, T replaced by A.
Molecular consequence: intron variant.
Genome position (GRCh38, 1-based): chr3:48,575,861, A>T on the plus strand (T>A on the coding strand, the complement: COL7A1 is on the minus strand). VCF-style: chr3-48575861-A-T. GRCh37 (hg19) VCF-style: chr3-48613294-A-T.
Identifiers: ClinVar variation 1950506 (VCV001950506.2), dbSNP rs759475299, ClinGen allele CA907763314.
Genomic context (GRCh38, chr3:48,575,861, plus strand): 5'-GCCTGTGGGCACCACTAGCCCCAAGGGCCCCCACTTGTCCCTACCCCCAGCCCCTAAACA[A>T]CCCACCTTGATGCCAGCAGTTTCCAGCAACCGATCCACATTCTGGGGACAAAGTCTGGGT-3'

ClinVar aggregate classification (germline): Uncertain significance (1 of 4 stars; one submission).

gnomAD v4.1: 2 of 1,613,888 alleles (0.00012%); highest among the groups gnomAD compares: Admixed American, 0.0017%; no homozygotes.

Submission:

Labcorp Genetics (formerly Invitae), Labcorp
Classification: Uncertain significance. Last evaluated: 2021-05-18. Review status: criteria provided, single submitter. Criteria: Invitae Variant Classification Sherloc (09022015). Collection method: clinical testing. Allele origin: germline.
Comment: This sequence change falls in intron 71 of the COL7A1 gene. It does not directly change the encoded amino acid sequence of the COL7A1 protein. It affects a nucleotide within the consensus splice site of the intron. This variant is not present in population databases (ExAC no frequency). This variant has not been reported in the literature in individuals with COL7A1-related conditions. Nucleotide substitutions within the consensus splice site are a relatively common cause of aberrant splicing (PMID: 17576681, 9536098). Algorithms developed to predict the effect of sequence changes on RNA splicing suggest that this variant may disrupt the consensus splice site, but this prediction has not been confirmed by published transcriptional studies. In summary, the available evidence is currently insufficient to determine the role of this variant in disease. Therefore, it has been classified as a Variant of Uncertain Significance.

Literature cited by the submitters: PubMed 17576681; PubMed 9536098.